The following is an entry in ClinVar:

NC_000015.9:g.(?_48773832)_(48936966_?)del

Gene: FBN1 (fibrillin 1; minus strand). Cytogenetic location: 15q21.1.
Variant type: Deletion.
Identifiers: ClinVar variation 2422444 (VCV002422444.4).

ClinVar aggregate classification (germline): Pathogenic (1 of 4 stars; one submission).

Conditions:
Marfan syndrome (MFS). Also called: MARFAN SYNDROME, TYPE I; FBN1-Related Marfan Syndrome; Marfan syndrome type 1; Marfan's syndrome; Marfan syndrome, classic. Identifiers: Orphanet 284963, Orphanet 558, MedGen C0024796, MONDO:0007947, OMIM 154700.
Familial thoracic aortic aneurysm and aortic dissection (TAAD). Also called: Thoracic aortic aneurysms and dissections. Identifiers: Orphanet 91387, MedGen C4707243, MONDO:0019625.

Submission:

Labcorp Genetics (formerly Invitae), Labcorp
Classification: Pathogenic for Marfan syndrome; Familial thoracic aortic aneurysm and aortic dissection. Last evaluated: 2022-08-12. Review status: criteria provided, single submitter. Criteria: Invitae Variant Classification Sherloc (09022015). Collection method: clinical testing. Allele origin: germline.
Comment: For these reasons, this variant has been classified as Pathogenic. This variant has not been reported in the literature in individuals affected with FBN1-related conditions. This variant is a gross deletion of the genomic region encompassing exon(s) 2-32 of the FBN1 gene, which includes the initiator codon. This deletion extends beyond the assayed region for this gene and therefore may encompass additional genes. It is expected to result in an absent or disrupted protein product. Loss-of-function variants in FBN1 are known to be pathogenic (PMID: 17657824, 19293843).

Literature cited by the submitters: PubMed 17657824; PubMed 19293843.